The following is an entry in ClinVar:

NM_001128159.3(VPS53):c.2130C>G (p.Leu710=)

Gene: VPS53 (VPS53 subunit of GARP complex; minus strand). Cytogenetic location: 17p13.3.
Variant type: single nucleotide variant.
Coding change: c.2130C>G on transcript NM_001128159.3 (MANE Select); coding-DNA position 2130, C replaced by G.
Protein change: p.Leu710=; no amino-acid change (leucine 710 retained).
Molecular consequence: synonymous variant.
Genome position (GRCh38, 1-based): chr17:521,694, G>C on the plus strand (C>G on the coding strand, the complement: VPS53 is on the minus strand). VCF-style: chr17-521694-G-C. GRCh37 (hg19) VCF-style: chr17-424934-G-C.
Identifiers: ClinVar variation 385373 (VCV000385373.11), dbSNP rs59240016, ClinGen allele CA8261171.
Genomic context (GRCh38, chr17:521,694, plus strand): 5'-GACAACGATCTTGGTGTAGCTGGCGGGTGCCTTCCTCACCACCTGCGAGCTGATGGAGGG[G>C]AGATCGAGCAGGACCATCTTCAGCGAGTGGGTGTCCAGCAGCAGCTGTGGAGCAAAGCAG-3'
Protein context (NP_001121631.1, residues 700-720): THSLKMVLLD[Leu710=]PSISSQVVRK

ClinVar aggregate classification (germline): Benign. Review status: criteria provided, multiple submitters, no conflicts (2 of 4 stars). 3 submissions from 3 submitters: Benign (3). Last evaluated 2026-01-31.

Allele frequency attached by ClinVar (database versions not stated): gnomAD exomes 0.00207; ExAC 0.00399; gnomAD 0.00852 and 0.00924; 1000 Genomes Project 0.00879; TOPMed 0.00959; 1000 Genomes Project 30x 0.00968; ESP Exome Variant Server 0.01029.
gnomAD v4.1: 2,474 of 1,550,866 alleles (0.16%); highest among the groups gnomAD compares: African/African-American, 3%; 35 homozygotes.

Submissions (3):

Labcorp Genetics (formerly Invitae), Labcorp
Classification: Benign. Last evaluated: 2026-01-31. Review status: criteria provided, single submitter. Criteria: Invitae Variant Classification Sherloc (09022015). Collection method: clinical testing. Allele origin: germline.

GeneDx
Classification: Benign. Last evaluated: 2016-06-17. Review status: criteria provided, single submitter. Criteria: GeneDx Variant Classification (06012015). Collection method: clinical testing. Allele origin: germline. Affected: yes.
Comment: This variant is considered likely benign or benign based on one or more of the following criteria: it is a conservative change, it occurs at a poorly conserved position in the protein, it is predicted to be benign by multiple in silico algorithms, and/or has population frequency not consistent with disease.

Breakthrough Genomics
Classification: Benign. Review status: criteria provided, single submitter. Criteria: ACMG Guidelines, 2015. Collection method: not provided. Allele origin: germline. Inheritance: Autosomal recessive inheritance. Affected: yes.